The following is an entry in ClinVar:

NM_032444.4(SLX4):c.1957A>C (p.Thr653Pro)

Gene: SLX4 (SLX4 structure-specific endonuclease subunit; minus strand). Cytogenetic location: 16p13.3.
Variant type: single nucleotide variant.
Coding change: c.1957A>C on transcript NM_032444.4 (MANE Select); coding-DNA position 1957, A replaced by C.
Protein change: p.Thr653Pro; replaces threonine 653 with proline.
Molecular consequence: missense variant.
Genome position (GRCh38, 1-based): chr16:3,595,661, T>G on the plus strand (A>C on the coding strand, the complement: SLX4 is on the minus strand). VCF-style: chr16-3595661-T-G. GRCh37 (hg19) VCF-style: chr16-3645662-T-G.
Other names: short protein forms T653P.
Identifiers: ClinVar variation 1320945 (VCV001320945.2), dbSNP rs2040643790, ClinGen allele CA394526697.

ClinVar aggregate classification (germline): Uncertain significance (1 of 4 stars; one submission).

Allele frequency attached by ClinVar (database versions not stated): TOPMed below 0.00001.
gnomAD v4.1: 1 of 1,613,900 alleles (0.000062%); highest among the groups gnomAD compares: Middle Eastern, 0.016%; no homozygotes.

Submission:

GeneDx
Classification: Uncertain significance. Last evaluated: 2021-04-14. Review status: criteria provided, single submitter. Criteria: GeneDx Variant Classification Process June 2021. Collection method: clinical testing. Allele origin: germline. Affected: yes.
Comment: Not observed in large population cohorts (Lek et al., 2016); In silico analysis supports that this missense variant has a deleterious effect on protein structure/function; Has not been previously published as pathogenic or benign to our knowledge